The following is an entry in ClinVar:

ClinVar aggregate classification (germline): Uncertain significance (1 of 4 stars; one submission).

Conditions:
Hereditary cancer-predisposing syndrome. Also called: Neoplastic Syndromes, Hereditary; Tumor predisposition; Hereditary neoplastic syndrome; Hereditary Cancer Syndrome. Identifiers: Orphanet 140162, MedGen C0027672, MeSH D009386, MONDO:0015356.

Submission:

Ambry Genetics
Classification: Uncertain significance for Hereditary cancer-predisposing syndrome. Last evaluated: 2024-02-28. Review status: criteria provided, single submitter. Criteria: Ambry Variant Classification Scheme 2023. Collection method: clinical testing. Allele origin: germline.
Comment: The p.P1381Q variant (also known as c.4142C>A), located in coding exon 15 of the APC gene, results from a C to A substitution at nucleotide position 4142. The proline at codon 1381 is replaced by glutamine, an amino acid with similar properties. This amino acid position is conserved. In addition, in silico predictors for this gene do not accurately predict pathogenicity. Based on the available evidence, the clinical significance of this alteration remains unclear.

NM_000038.6(APC):c.4142C>A (p.Pro1381Gln)

Gene: APC (APC regulator of Wnt signaling pathway; plus strand). Cytogenetic location: 5q22.2.
Variant type: single nucleotide variant.
Coding change: c.4142C>A on transcript NM_000038.6 (MANE Select); coding-DNA position 4142, C replaced by A.
Protein change: p.Pro1381Gln; replaces proline 1381 with glutamine.
Molecular consequence: missense variant. On other transcripts: non-coding transcript variant (2).
Genome position (GRCh38, 1-based): chr5:112,839,736, C>A. VCF-style: chr5-112839736-C-A. GRCh37 (hg19) VCF-style: chr5-112175433-C-A.
Other names: c.4142C>A, p.Pro1381Gln (NM_001127510.3, NM_001354895.2, NM_001407450.1); c.4088C>A, p.Pro1363Gln (NM_001127511.3); c.4196C>A, p.Pro1399Gln (NM_001354896.2, NM_001407447.1, NM_001407448.1 and 1 more transcripts); c.4172C>A, p.Pro1391Gln (NM_001354897.2); c.4067C>A, p.Pro1356Gln (NM_001354898.2); c.4058C>A, p.Pro1353Gln (NM_001354899.2); c.4019C>A, p.Pro1340Gln (NM_001354900.2); c.3965C>A, p.Pro1322Gln (NM_001354901.2, NM_001407453.1); and 11 more; short protein forms P1098Q, P1221Q, P1252Q, P1255Q, P1280Q, P1290Q, P1298Q, P1322Q.
Identifiers: ClinVar variation 3230428 (VCV003230428.1), dbSNP rs2149907480, ClinGen allele CA16030403.
Genomic context (GRCh38, chr5:112,839,736, plus strand): 5'-CCTCCAAAAGTGGTGCTCAGACACCCAAAAGTCCACCTGAACACTATGTTCAGGAGACCC[C>A]ACTCATGTTTAGCAGATGTACTTCTGTCAGTTCACTTGATAGTTTTGAGAGTCGTTCGAT-3'
Protein context (NP_000029.2, residues 1371-1391): SPPEHYVQET[Pro1381Gln]LMFSRCTSVS